The following is an entry in ClinVar:

NM_000277.3(PAH):c.859C>G (p.Leu287Val)

Genes: PAH (phenylalanine hydroxylase; minus strand), LOC126861615 (CDK7 strongly-dependent group 2 enhancer GRCh37_chr12:103244689-103245888; plus strand). Cytogenetic location: 12q23.2.
Variant type: single nucleotide variant.
Coding change: c.859C>G on transcript NM_000277.3 (MANE Select); coding-DNA position 859, C replaced by G.
Protein change: p.Leu287Val; replaces leucine 287 with valine.
Molecular consequence: missense variant.
Genome position (GRCh38, 1-based): chr12:102,851,740, G>C on the plus strand (C>G on the coding strand, the complement: PAH is on the minus strand). VCF-style: chr12-102851740-G-C. GRCh37 (hg19) VCF-style: chr12-103245518-G-C.
Other names: c.859C>G, p.Leu287Val (NM_001354304.2); c.859C>G (NM_000277.2); short protein forms L287V.
Identifiers: ClinVar variation 619164 (VCV000619164.6), dbSNP rs781096854, ClinGen allele CA6748814.

ClinVar aggregate classification (germline): Likely pathogenic. Review status: reviewed by expert panel (3 of 4 stars). 3 submissions from 3 submitters: Likely pathogenic (1). 2 of the submissions do not count toward it. Last evaluated 2018-12-09.

Conditions:
Phenylketonuria (PKU). Also called: OLIGOPHRENIA PHENYLPYRUVICA; Phenylketonurias; FOLLING DISEASE; Phenylketonuria (PKU). Identifiers: Orphanet 716, MedGen C0031485, MONDO:0009861, OMIM 261600. Disease mechanism: loss of function.

Allele frequency attached by ClinVar (database versions not stated): ExAC 0.00002; gnomAD exomes 0.00001.
gnomAD v4.1: 3 of 1,614,038 alleles (0.00019%); highest among the groups gnomAD compares: Non-Finnish European, 0.00025%; no homozygotes.

Submissions (3):

ClinGen PAH Variant Curation Expert Panel
Classification: Likely pathogenic for Phenylketonuria. Last evaluated: 2018-12-09. Review status: reviewed by expert panel. Criteria: ClinGen PAH ACMG Specifications v1. Collection method: curation. Allele origin: germline. Inheritance: Autosomal recessive inheritance.
Comment: The c.859C>G (p.Leu287Val) variant in PAH is found with low allele frequency in population databases (3.0e-5). It has been identified in trans with pathogenic variants in two individuals in the literature (P281L and A300S, PMID: 12409276), and in one of those patients a defect in BH4 metabolism was excluded as a cause of elevated phenylalanine (PMID: 16198137). . In summary, this variant meets criteria to be classified as likely pathogenic for PAH. PAH-specific ACMG/AMP criteria applied: PP4_Moderate, PM2, PM3.

Natera, Inc.
Classification: Likely pathogenic for Phenylketonuria. Last evaluated: 2024-03-15. Review status: criteria provided, single submitter. Criteria: Natera Variant Classification Schema (03/2026). Collection method: clinical testing. Allele origin: germline. Not counted in ClinVar's aggregate classification.
Comment: The c.859C>G variant in PAH is a missense variant predicted to cause substitution of leucine to valine at amino acid 287. This variant is rare in the general population with a frequency below the threshold expected for the associated phenotype(s). This variant has been observed in one or more individuals affected with the associated recessive disease, as either homozygous or compound heterozygous with a second variant (PMID: 26210745, 12409276, 16198137). Computational prediction algorithms indicate this variant is likely to affect gene or protein function. Given the available evidence, this variant is classified as Likely Pathogenic.

Labcorp Genetics (formerly Invitae), Labcorp
Classification: Pathogenic for Phenylketonuria. Last evaluated: 2024-01-27. Review status: criteria provided, single submitter. Criteria: Invitae Variant Classification Sherloc (09022015). Collection method: clinical testing. Allele origin: germline. Not counted in ClinVar's aggregate classification.
Comment: This sequence change replaces leucine, which is neutral and non-polar, with valine, which is neutral and non-polar, at codon 287 of the PAH protein (p.Leu287Val). This variant is present in population databases (rs781096854, gnomAD 0.002%). This missense change has been observed in individual(s) with hyperphenylalaninemia (PMID: 12409276, 16198137, 26210745). ClinVar contains an entry for this variant (Variation ID: 619164). Advanced modeling of protein sequence and biophysical properties (such as structural, functional, and spatial information, amino acid conservation, physicochemical variation, residue mobility, and thermodynamic stability) performed at Invitae indicates that this missense variant is not expected to disrupt PAH protein function with a negative predictive value of 80%. For these reasons, this variant has been classified as Pathogenic.

Literature cited by the submitters: PubMed 12409276 (cited by 3 submitters); PubMed 16198137 (cited by 3 submitters); PubMed 26210745 (cited by Natera, Inc. and Labcorp Genetics (formerly Invitae), Labcorp).